The following is an entry in ClinVar:

ClinVar aggregate classification (germline): Conflicting classifications of pathogenicity. Review status: criteria provided, conflicting classifications (1 of 4 stars). 4 submissions from 4 submitters: Pathogenic (1); Uncertain significance (2). 1 of the submissions does not count toward it. Last evaluated 2024-03-17.

Conditions:
Abnormality of coagulation. Identifiers: MedGen C1846821, HP:0001928.
Congenital factor VII deficiency. Identifiers: Orphanet 327, MedGen C0272320, MONDO:0009211, OMIM 227500.
F7-related disorder. Also called: F7-related condition.

Allele frequency attached by ClinVar (database versions not stated): ExAC 0.00004; TOPMed 0.00005; gnomAD exomes 0.00006 and 0.00013; gnomAD 0.00007 and 0.00008.

Submissions (4):

Genomic Medicine Center of Excellence, King Faisal Specialist Hospital and Research Centre
Classification: Uncertain significance for Congenital factor VII deficiency. Last evaluated: 2024-03-17. Review status: criteria provided, single submitter. Criteria: ACMG Guidelines, 2015. Collection method: research. Allele origin: germline.

NIHR Bioresource Rare Diseases, University of Cambridge
Classification: Pathogenic for Abnormality of coagulation. Last evaluated: 2019-02-01. Review status: criteria provided, single submitter. Criteria: ACMG Guidelines, 2015. Collection method: research. Allele origin: unknown. Affected: yes. Observed: 1 heterozygote. Study: ThromboGenomics.

Labcorp Genetics (formerly Invitae), Labcorp
Classification: Uncertain significance. Last evaluated: 2017-10-19. Review status: criteria provided, single submitter. Criteria: Invitae Variant Classification Sherloc (09022015). Collection method: clinical testing. Allele origin: germline.
Comment: This variant is present in population databases (rs779589651, ExAC 0.006%). This variant has been reported as heterozygous in an individual affected with a partial factor VII deficiency (PMID: 8844208). It is also known as Arg223Trp in the literature. Algorithms developed to predict the effect of missense changes on protein structure and function do not agree on the potential impact of this missense change (SIFT: "Deleterious"; PolyPhen-2: "Probably Damaging"; Align-GVGD: "Class C15"). In summary, the available evidence is currently insufficient to determine the role of this variant in disease. Therefore, it has been classified as a Variant of Uncertain Significance. This sequence change replaces arginine with tryptophan at codon 283 of the F7 protein (p.Arg283Trp). The arginine residue is moderately conserved and there is a moderate physicochemical difference between arginine and tryptophan.

PreventionGenetics, part of Exact Sciences
Classification: Uncertain significance for F7-related condition. Last evaluated: 2024-01-10. Review status: no assertion criteria provided. Collection method: clinical testing. Allele origin: germline. Not counted in ClinVar's aggregate classification.
Comment: The F7 c.847C>T variant is predicted to result in the amino acid substitution p.Arg283Trp. This variant (aka p.Arg223Trp) has been reported in individuals with Factor VII deficiency (Bernardi et al. 1996. PubMed ID: 8844208; Pshenichnikova et al. 2023. PubMed ID: 37761907). This variant has also been reported in a cohort study of patients with bleeding disorders (Downes et al. 2019. PubMed ID: 31064749. Suppl3_SNV+INDEL). This variant is reported in 0.010% of alleles in individuals of European (Non-Finnish) descent in gnomAD. Although we suspect that this variant may be pathogenic, at this time, the clinical significance of this variant is uncertain due to the absence of conclusive functional and genetic evidence.

Literature cited by the submitters: PubMed 31064749 (cited by NIHR Bioresource Rare Diseases, University of Cambridge); PubMed 8844208 (cited by Labcorp Genetics (formerly Invitae), Labcorp).

NM_019616.4(F7):c.781C>T (p.Arg261Trp)

Gene: F7 (coagulation factor VII; plus strand). Cytogenetic location: 13q34.
Variant type: single nucleotide variant.
Coding change: c.781C>T on transcript NM_019616.4 (MANE Select); coding-DNA position 781, C replaced by T.
Protein change: p.Arg261Trp; replaces arginine 261 with tryptophan.
Molecular consequence: missense variant. On other transcripts: non-coding transcript variant (1).
Genome position (GRCh38, 1-based): chr13:113,118,454, C>T. VCF-style: chr13-113118454-C-T. GRCh37 (hg19) VCF-style: chr13-113772768-C-T.
Other names: c.847C>T, p.Arg283Trp (NM_000131.5); c.595C>T, p.Arg199Trp (NM_001267554.2); short protein forms R261W, R283W, R199W.
Identifiers: ClinVar variation 627147 (VCV000627147.11), dbSNP rs779589651, ClinGen allele CA7060140.